The following is an entry in ClinVar:

ClinVar aggregate classification (germline): Uncertain significance. Review status: criteria provided, single submitter (1 of 4 stars). 2 submissions from 2 submitters: Uncertain significance (1). 1 of the submissions does not count toward it. Last evaluated 2016-04-01.

Conditions:
PHC1-related disorder. Also called: PHC1-related condition.

Allele frequency attached by ClinVar (database versions not stated): 1000 Genomes Project 0.00040; 1000 Genomes Project 30x 0.00047; gnomAD 0.00060 and 0.00067; TOPMed 0.00066; ESP Exome Variant Server 0.00069.
gnomAD v4.1: 166 of 1,605,378 alleles (0.01%); highest among the groups gnomAD compares: African/African-American, 0.2%; no homozygotes.

Submissions (2):

Genetic Services Laboratory, University of Chicago
Classification: Uncertain significance. Last evaluated: 2016-04-01. Review status: criteria provided, single submitter. Criteria: ACMG Guidelines, 2015. Collection method: clinical testing. Allele origin: germline. Affected: no.

PreventionGenetics, part of Exact Sciences
Classification: Likely benign for PHC1-related condition. Last evaluated: 2024-04-15. Review status: no assertion criteria provided. Collection method: clinical testing. Allele origin: germline. Not counted in ClinVar's aggregate classification.
Comment: This variant is classified as likely benign based on ACMG/AMP sequence variant interpretation guidelines (Richards et al. 2015 PMID: 25741868, with internal and published modifications).

NM_004426.3(PHC1):c.2726G>A (p.Gly909Glu)

Gene: PHC1 (polyhomeotic homolog 1; plus strand). Cytogenetic location: 12p13.31.
Variant type: single nucleotide variant.
Coding change: c.2726G>A on transcript NM_004426.3 (MANE Select); coding-DNA position 2726, G replaced by A.
Protein change: p.Gly909Glu; replaces glycine 909 with glutamic acid.
Molecular consequence: missense variant.
Genome position (GRCh38, 1-based): chr12:8,937,926, G>A. VCF-style: chr12-8937926-G-A. GRCh37 (hg19) VCF-style: chr12-9090522-G-A.
Other names: short protein forms G909E.
Identifiers: ClinVar variation 436305 (VCV000436305.8), dbSNP rs141256799, ClinGen allele CA6437312.